The following is an entry in ClinVar:

NM_198859.4(PRICKLE2):c.49A>G (p.Met17Val)

Genes: PRICKLE2-AS3 (PRICKLE2 antisense RNA 3; plus strand), PRICKLE2 (prickle planar cell polarity protein 2; minus strand). Cytogenetic location: 3p14.1.
Variant type: single nucleotide variant.
Coding change: c.49A>G on transcript NM_198859.4 (MANE Select); coding-DNA position 49, A replaced by G.
Protein change: p.Met17Val; replaces methionine 17 with valine.
Molecular consequence: missense variant. On other transcripts: non-coding transcript variant (1).
Genome position (GRCh38, 1-based): chr3:64,198,879, T>C on the plus strand (A>G on the coding strand, the complement: PRICKLE2 is on the minus strand). VCF-style: chr3-64198879-T-C. GRCh37 (hg19) VCF-style: chr3-64184555-T-C.
Other names: c.49A>G, p.Met17Val (NM_001370528.1); short protein forms M17V.
Identifiers: ClinVar variation 949446 (VCV000949446.7), dbSNP rs762452354, ClinGen allele CA2479931.

ClinVar aggregate classification (germline): Uncertain significance (1 of 4 stars; one submission).

Conditions:
Progressive myoclonic epilepsy type 5. Identifiers: Orphanet 402082, MedGen C5190799.

Allele frequency attached by ClinVar (database versions not stated): gnomAD exomes below 0.00001; ExAC 0.00001.

Submission:

Labcorp Genetics (formerly Invitae), Labcorp
Classification: Uncertain significance for Progressive myoclonic epilepsy type 5. Last evaluated: 2019-09-19. Review status: criteria provided, single submitter. Criteria: Invitae Variant Classification Sherloc (09022015). Collection method: clinical testing. Allele origin: germline.
Comment: In summary, the available evidence is currently insufficient to determine the role of this variant in disease. Therefore, it has been classified as a Variant of Uncertain Significance. Algorithms developed to predict the effect of missense changes on protein structure and function are either unavailable or do not agree on the potential impact of this missense change (SIFT: "Deleterious"; PolyPhen-2: "Benign"; Align-GVGD: "Class C0"). This variant has not been reported in the literature in individuals with PRICKLE2-related conditions. This variant is present in population databases (rs762452354, ExAC 0.006%). This sequence change replaces methionine with valine at codon 17 of the PRICKLE2 protein (p.Met17Val). The methionine residue is highly conserved and there is a small physicochemical difference between methionine and valine.